The following is an entry in ClinVar:

NM_022765.4(MICAL1):c.2956G>A (p.Ala986Thr)

Gene: MICAL1 (microtubule associated monooxygenase, calponin and LIM domain containing 1; minus strand). Cytogenetic location: 6q21.
Variant type: single nucleotide variant.
Coding change: c.2956G>A on transcript NM_022765.4 (MANE Select); coding-DNA position 2956, G replaced by A.
Protein change: p.Ala986Thr; replaces alanine 986 with threonine.
Molecular consequence: missense variant.
Genome position (GRCh38, 1-based): chr6:109,444,921, C>T on the plus strand (G>A on the coding strand, the complement: MICAL1 is on the minus strand). VCF-style: chr6-109444921-C-T. GRCh37 (hg19) VCF-style: chr6-109766124-C-T.
Other names: c.2698G>A, p.Ala900Thr (NM_001159291.2); c.3013G>A, p.Ala1005Thr (NM_001286613.2); short protein forms A900T, A1005T, A986T.
Identifiers: ClinVar variation 1934352 (VCV001934352.5), dbSNP rs763955310, ClinGen allele CA3952696.
Genomic context (GRCh38, chr6:109,444,921, plus strand): 5'-CCCATGGGCCACTGTCACCATCCCCTTCCCCTTACGTGATCATGAGCTCGGCCTCCTCAG[C>T]CACCAGGCTGTTTTTCTTGTCAACGAGCTGTAGCAGCTGTCCTACCCATAGTTTCTTTTG-3'
Protein context (NP_073602.3, residues 976-996): QLVDKKNSLV[Ala986Thr]EEAELMITVQ

ClinVar aggregate classification (germline): Uncertain significance (1 of 4 stars; one submission).

Allele frequency attached by ClinVar (database versions not stated): gnomAD 0.00001; TOPMed 0.00001; ExAC 0.00004.
gnomAD v4.1: 9 of 1,614,074 alleles (0.00056%); highest among the groups gnomAD compares: Non-Finnish European, 0.00076%; no homozygotes.

Submission:

Labcorp Genetics (formerly Invitae), Labcorp
Classification: Uncertain significance. Last evaluated: 2024-11-07. Review status: criteria provided, single submitter. Criteria: Invitae Variant Classification Sherloc (09022015). Collection method: clinical testing. Allele origin: germline.
Comment: This sequence change replaces alanine, which is neutral and non-polar, with threonine, which is neutral and polar, at codon 1005 of the MICAL1 protein (p.Ala1005Thr). This variant is present in population databases (rs763955310, gnomAD 0.004%). This variant has not been reported in the literature in individuals affected with MICAL1-related conditions. ClinVar contains an entry for this variant (Variation ID: 1934352). An algorithm developed to predict the effect of missense changes on protein structure and function outputs the following: PolyPhen-2: "Benign". The threonine amino acid residue is found in multiple mammalian species, which suggests that this missense change does not adversely affect protein function. In summary, the available evidence is currently insufficient to determine the role of this variant in disease. Therefore, it has been classified as a Variant of Uncertain Significance.